The following is an entry in ClinVar:

ClinVar aggregate classification (germline): Likely benign. Review status: criteria provided, single submitter (1 of 4 stars). 2 submissions from 2 submitters: Likely benign (1). 1 of the submissions does not count toward it. Last evaluated 2024-11-01.

Conditions:
CERT1-related disorder. Also called: CERT1-related condition.

Submissions (2):

Blueprint Genetics
Classification: Likely benign. Last evaluated: 2024-11-01. Review status: criteria provided, single submitter. Criteria: ACMG Guidelines, 2015. Collection method: clinical testing. Allele origin: germline.

PreventionGenetics, part of Exact Sciences
Classification: Likely benign for CERT1-related condition. Last evaluated: 2023-02-27. Review status: no assertion criteria provided. Collection method: clinical testing. Allele origin: germline. Not counted in ClinVar's aggregate classification.
Comment: This variant is classified as likely benign based on ACMG/AMP sequence variant interpretation guidelines (Richards et al. 2015 PMID: 25741868, with internal and published modifications).

NM_001379029.1(CERT1):c.-255ACGGCG[3]

Genes: CERT1 (ceramide transporter 1; minus strand), POLK (DNA polymerase kappa; plus strand). Cytogenetic location: 5q13.3.
Variant type: Microsatellite.
Coding change: c.-255ACGGCG[3] on transcript NM_001379029.1 (MANE Select); three copies in a row of the 6-base unit ACGGCG starting at c.-255; the reference has two copies in a row; one copy, 6 bases duplicated.
Molecular consequence: 5 prime UTR variant.
Genome position (GRCh38, 1-based): chr5:75,511,451-75,511,456, CGCCGT duplicated on the plus strand (ACGGCG on the coding strand, the reverse complement: CERT1 is on the minus strand); duplicating any 6 consecutive bases within chr5:75,511,451-75,511,462 gives the same sequence; the position shown is the placement nearest the transcript's 3' end. VCF-style (leftmost placement, unchanged base first): chr5-75511450-C-CCGCCGT. GRCh37 (hg19) VCF-style: chr5-74807275-C-CCGCCGT.
Other names: c.130ACGGCG[3], p.Ala47_Ala48insThrAla (NM_001130105.1); c.-255ACGGCG[3] (NM_001379002.1, NM_001379003.1, NM_001379004.1 and 2 more transcripts); c.136_141dup6 (NM_001130105.1).
Identifiers: ClinVar variation 3039189 (VCV003039189.3), dbSNP rs746786853, ClinGen allele CA3309429.